The following is an entry in ClinVar:

NM_001365276.2(TNXB):c.12437G>A (p.Arg4146His)

Genes: TNXB (tenascin XB; minus strand), LOC106780803 (tenascin XB recombination region; plus strand). Cytogenetic location: 6p21.33.
Variant type: single nucleotide variant.
Coding change: c.12437G>A on transcript NM_001365276.2 (MANE Select); coding-DNA position 12437, G replaced by A.
Protein change: p.Arg4146His; replaces arginine 4146 with histidine.
Molecular consequence: missense variant.
Genome position (GRCh38, 1-based): chr6:32,042,044, C>T on the plus strand (G>A on the coding strand, the complement: TNXB is on the minus strand). VCF-style: chr6-32042044-C-T. GRCh37 (hg19) VCF-style: chr6-32009821-C-T.
Other names: c.12431G>A, p.Arg4144His (NM_019105.8); c.1724G>A, p.Arg575His (NM_032470.4); short protein forms R4144H, R4146H, R575H.
Identifiers: ClinVar variation 2632002 (VCV002632002.1), dbSNP rs1204718828, ClinGen allele CA363514996.

ClinVar aggregate classification (germline): Uncertain significance (1 of 4 stars; one submission).

Conditions:
TNXB-related disorder. Also called: TNXB-related condition.

Allele frequency attached by ClinVar (database versions not stated): gnomAD 0.00003.

Submission:

PreventionGenetics, part of Exact Sciences
Classification: Uncertain significance for TNXB-related condition. Last evaluated: 2023-05-25. Review status: criteria provided, single submitter. Criteria: ACMG Guidelines, 2015. Collection method: clinical testing. Allele origin: germline.
Comment: The TNXB c.12431G>A variant is predicted to result in the amino acid substitution p.Arg4144His. To our knowledge, this variant has not been reported in the literature. This variant is reported in 0.011% of alleles in individuals of East Asian descent in gnomAD. This variant falls within a highly paralogous region. Allele frequency data should be interpreted with caution. At this time, the clinical significance of this variant is uncertain due to the absence of conclusive functional and genetic evidence.